The following is an entry in ClinVar:

ClinVar aggregate classification (germline): Uncertain significance. Review status: criteria provided, multiple submitters, no conflicts (2 of 4 stars). 2 submissions from 2 submitters: Uncertain significance (2). Last evaluated 2024-05-06.

Conditions:
Lung cancer. Also called: Lung cancer, somatic; Malignant tumor of lung. Identifiers: MedGen C0242379, MONDO:0008903, OMIM 211980.
Inflammatory skin and bowel disease, neonatal, 2 (NNCIS). Identifiers: Orphanet 294023, MedGen C4015130, MONDO:0014481, OMIM 616069.
EGFR-related lung cancer (EGFR). Identifiers: MedGen CN130014.

Submissions (2):

Labcorp Genetics (formerly Invitae), Labcorp
Classification: Uncertain significance for EGFR-related lung cancer. Last evaluated: 2024-05-06. Review status: criteria provided, single submitter. Criteria: Invitae Variant Classification Sherloc (09022015). Collection method: clinical testing. Allele origin: germline.
Comment: This sequence change replaces leucine, which is neutral and non-polar, with proline, which is neutral and non-polar, at codon 25 of the EGFR protein (p.Leu25Pro). This variant is not present in population databases (gnomAD no frequency). This variant has not been reported in the literature in individuals affected with EGFR-related conditions. Algorithms developed to predict the effect of missense changes on protein structure and function output the following: SIFT: "Not Available"; PolyPhen-2: "Probably Damaging"; Align-GVGD: "Not Available". The proline amino acid residue is found in multiple mammalian species, which suggests that this missense change does not adversely affect protein function. In summary, the available evidence is currently insufficient to determine the role of this variant in disease. Therefore, it has been classified as a Variant of Uncertain Significance.

Fulgent Genetics
Classification: Uncertain significance for Lung cancer; Inflammatory skin and bowel disease, neonatal, 2. Last evaluated: 2024-05-02. Review status: criteria provided, single submitter. Criteria: ACMG Guidelines, 2015. Collection method: clinical testing. Allele origin: germline.

NM_005228.5(EGFR):c.74T>C (p.Leu25Pro)

Gene: EGFR (epidermal growth factor receptor; plus strand). Cytogenetic location: 7p11.2.
Variant type: single nucleotide variant.
Coding change: c.74T>C on transcript NM_005228.5 (MANE Select); coding-DNA position 74, T replaced by C.
Protein change: p.Leu25Pro; replaces leucine 25 with proline.
Molecular consequence: missense variant.
Genome position (GRCh38, 1-based): chr7:55,019,351, T>C. VCF-style: chr7-55019351-T-C. GRCh37 (hg19) VCF-style: chr7-55087044-T-C.
Other names: c.74T>C, p.Leu25Pro (NM_001346897.2, NM_001346898.2, NM_001346899.2 and 4 more transcripts); short protein forms L25P.
Identifiers: ClinVar variation 3594727 (VCV003594727.3).